The following is an entry in ClinVar:

ClinVar aggregate classification (germline): Pathogenic (1 of 4 stars; one submission).

Submission:

Labcorp Genetics (formerly Invitae), Labcorp
Classification: Pathogenic. Last evaluated: 2024-02-23. Review status: criteria provided, single submitter. Criteria: Invitae Variant Classification Sherloc (09022015). Collection method: clinical testing. Allele origin: germline.
Comment: This sequence change creates a premature translational stop signal (p.Tyr211*) in the FZD4 gene. While this is not anticipated to result in nonsense mediated decay, it is expected to disrupt the last 327 amino acid(s) of the FZD4 protein. This variant is not present in population databases (gnomAD no frequency). This premature translational stop signal has been observed in individual(s) with familial exudative vitreoretinopathy (PMID: 21097938). ClinVar contains an entry for this variant (Variation ID: 1457991). This variant disrupts a region of the FZD4 protein in which other variant(s) (p.Gln505*) have been determined to be pathogenic (PMID: 15223780, 23077402). This suggests that this is a clinically significant region of the protein, and that variants that disrupt it are likely to be disease-causing. For these reasons, this variant has been classified as Pathogenic.

Literature cited by the submitters: PubMed 21097938; PubMed 15223780; PubMed 23077402.

NM_012193.4(FZD4):c.633del (p.Leu210_Tyr211insTer)

Genes: FZD4 (frizzled class receptor 4; minus strand), PRSS23 (serine protease 23; plus strand). Cytogenetic location: 11q14.2.
Variant type: Deletion.
Coding change: c.633del on transcript NM_012193.4 (MANE Select); coding-DNA position 633, one base deleted (C; older notation c.633delC).
Protein change: p.Leu210_Tyr211insTer.
Molecular consequence: nonsense. On other transcripts: non-coding transcript variant (2).
Genome position (GRCh38, 1-based): chr11:86,952,123, G deleted on the plus strand (C on the coding strand, the reverse complement: FZD4 is on the minus strand). VCF-style (leftmost placement, unchanged base first): chr11-86952122-TG-T. GRCh37 (hg19) VCF-style: chr11-86663164-TG-T.
Identifiers: ClinVar variation 1457991 (VCV001457991.6), dbSNP rs2135041449, ClinGen allele CA2573147787.
Genomic context (GRCh38, chr11:86,952,122, plus strand): 5'-TGAAACACAGGCTGGCCCACACAGCCATCCAGATATCAGTGAACTCCTTGGCTGAGCGGC[TG>T]TATAAGCCAGCATCATAGCCACACTTGAGCACACAGTTCAGGCTCCTTTTCACCCAGATG-3'